The following is an entry in ClinVar:

NM_000344.4(SMN1):c.835-28T>C

Gene: SMN1 (survival of motor neuron 1, telomeric). Cytogenetic location: 5q13.2.
Variant type: single nucleotide variant.
Coding change: c.835-28T>C on transcript NM_000344.4 (MANE Select); 28 bases into the intron before coding-DNA position 835, T replaced by C.
Molecular consequence: intron variant.
Genome position (GRCh38, 1-based): chr5:70,951,913, T>C. VCF-style: chr5-70951913-T-C. GRCh37 (hg19) VCF-style: chr5-70247740-T-C.
Other names: c.835-526T>C (NM_001297715.1); c.739-28T>C (NM_022874.2).
Identifiers: ClinVar variation 495826 (VCV000495826.1), dbSNP rs1554082369, ClinGen allele CA658683387.
Genomic context (GRCh38, chr5:70,951,913, plus strand): 5'-GCTTTTTAACATCCATATAAAGCTATCTATATATAGCTATCTATGTCTATATAGCTATTT[T>C]TTTTAACTTCCTTTATTTTCCTTACAGGGTTTCAGACAAAATCAAAAAGAAGGAAGGTGC-3'

ClinVar aggregate classification (germline): Uncertain significance (1 of 4 stars; one submission).

Submission:

Women's Health and Genetics/Laboratory Corporation of America, LabCorp
Classification: Uncertain significance. Last evaluated: 2017-04-14. Review status: criteria provided, single submitter. Criteria: LabCorp Variant Classification Summary - May 2015. Collection method: clinical testing. Allele origin: germline.
Comment: Variant summary: The SMN1 c.835-28T>C variant involves the alteration of a non-conserved intronic nucleotide. One in silico tool predicts a benign outcome for this variant. 5/5 splice prediction tools predict no significant impact on normal splicing. However, these predictions have yet to be confirmed by functional studies. This variant is absent in 115430 control chromosomes. The variant of interest has not, to our knowledge, been reported in affected individuals via publications and/or reputable databases/clinical diagnostic laboratories; nor evaluated for functional impact by in vivo/vitro studies. Taken together, this variant is classified as a "Variant of Uncertain Significance - Possibly Benign."